The following is an entry in ClinVar:

ClinVar aggregate classification (germline): Uncertain significance (1 of 4 stars; one submission).

Conditions:
Developmental and epileptic encephalopathy. Identifiers: MedGen C5779964, MONDO:0100620.

Allele frequency attached by ClinVar (database versions not stated): gnomAD exomes below 0.00001; gnomAD 0.00001; TOPMed 0.00001.
gnomAD v4.1: 8 of 1,613,834 alleles (0.0005%); highest among the groups gnomAD compares: African/African-American, 0.0013%; no homozygotes.

Submission:

Labcorp Genetics (formerly Invitae), Labcorp
Classification: Uncertain significance for Early-infantile DEE. Last evaluated: 2021-08-31. Review status: criteria provided, single submitter. Criteria: Invitae Variant Classification Sherloc (09022015). Collection method: clinical testing. Allele origin: germline.
Comment: This sequence change replaces glutamic acid with alanine at codon 773 of the CACNA2D2 protein (p.Glu773Ala). The glutamic acid residue is highly conserved and there is a moderate physicochemical difference between glutamic acid and alanine. This variant is not present in population databases (ExAC no frequency). This variant has not been reported in the literature in individuals affected with CACNA2D2-related conditions. Algorithms developed to predict the effect of missense changes on protein structure and function are either unavailable or do not agree on the potential impact of this missense change (SIFT: "Deleterious"; PolyPhen-2: "Possibly Damaging"; Align-GVGD: "Class C0"). In summary, the available evidence is currently insufficient to determine the role of this variant in disease. Therefore, it has been classified as a Variant of Uncertain Significance.

NM_006030.4(CACNA2D2):c.2318A>C (p.Glu773Ala)

Genes: CACNA2D2 (calcium voltage-gated channel auxiliary subunit alpha2delta 2; minus strand), LOC127898564 (CYB561D2-LOC101928965; plus strand), LOC101928965 (uncharacterized LOC101928965; plus strand). Cytogenetic location: 3p21.31.
Variant type: single nucleotide variant.
Coding change: c.2318A>C on transcript NM_006030.4 (MANE Select); coding-DNA position 2318, A replaced by C.
Protein change: p.Glu773Ala; replaces glutamic acid 773 with alanine.
Molecular consequence: missense variant.
Genome position (GRCh38, 1-based): chr3:50,367,477, T>G on the plus strand (A>C on the coding strand, the complement: CACNA2D2 is on the minus strand). VCF-style: chr3-50367477-T-G. GRCh37 (hg19) VCF-style: chr3-50404908-T-G.
Other names: c.2318A>C, p.Glu773Ala (NM_001005505.3); c.2339A>C, p.Glu780Ala (NM_001174051.3); c.2111A>C, p.Glu704Ala (NM_001291101.1); short protein forms E704A, E773A, E780A.
Identifiers: ClinVar variation 1007362 (VCV001007362.3), dbSNP rs976135835, ClinGen allele CA74607879.